The following is an entry in ClinVar:

NM_016507.4(CDK12):c.3050G>T (p.Ser1017Ile)

Gene: CDK12 (cyclin dependent kinase 12; plus strand). Cytogenetic location: 17q12.
Variant type: single nucleotide variant.
Coding change: c.3050G>T on transcript NM_016507.4 (MANE Select); coding-DNA position 3050, G replaced by T.
Protein change: p.Ser1017Ile; replaces serine 1017 with isoleucine.
Molecular consequence: missense variant.
Genome position (GRCh38, 1-based): chr17:39,520,042, G>T. VCF-style: chr17-39520042-G-T. GRCh37 (hg19) VCF-style: chr17-37676295-G-T.
Other names: c.3050G>T, p.Ser1017Ile (NM_015083.4); short protein forms S1017I.
Identifiers: ClinVar variation 3830420 (VCV003830420.1).

ClinVar aggregate classification (germline): Uncertain significance (1 of 4 stars; one submission).

Submission:

Ambry Genetics
Classification: Uncertain significance. Last evaluated: 2024-12-28. Review status: criteria provided, single submitter. Criteria: Ambry Variant Classification Scheme 2023. Collection method: clinical testing. Allele origin: germline.
Comment: The p.S1017I variant (also known as c.3050G>T), located in coding exon 11 of the CDK12 gene, results from a G to T substitution at nucleotide position 3050. The serine at codon 1017 is replaced by isoleucine, an amino acid with dissimilar properties. This amino acid position is conserved. In addition, the in silico prediction for this alteration is inconclusive. Based on the available evidence, the clinical significance of this variant remains unclear.